The following is an entry in ClinVar:

NM_002880.4(RAF1):c.869C>A (p.Pro290His)

Gene: RAF1 (Raf-1 proto-oncogene, serine/threonine kinase; minus strand). Cytogenetic location: 3p25.2.
Variant type: single nucleotide variant.
Coding change: c.869C>A on transcript NM_002880.4 (MANE Select); coding-DNA position 869, C replaced by A.
Protein change: p.Pro290His; replaces proline 290 with histidine.
Molecular consequence: missense variant. On other transcripts: non-coding transcript variant (3).
Genome position (GRCh38, 1-based): chr3:12,600,273, G>T on the plus strand (C>A on the coding strand, the complement: RAF1 is on the minus strand). VCF-style: chr3-12600273-G-T. GRCh37 (hg19) VCF-style: chr3-12641772-G-T.
Other names: c.929C>A, p.Pro310His (NM_001354689.3); c.869C>A, p.Pro290His (NM_001354690.3); c.626C>A, p.Pro209His (NM_001354691.3, NM_001354692.3); c.770C>A, p.Pro257His (NM_001354693.3); c.686C>A, p.Pro229His (NM_001354694.3); c.527C>A, p.Pro176His (NM_001354695.3); c.869C>A (NM_002880.3); short protein forms P290H, P310H, P229H, P176H, P209H, P257H.
Identifiers: ClinVar variation 1043342 (VCV001043342.10), dbSNP rs2058820862, ClinGen allele CA351509640.

ClinVar aggregate classification (germline): Uncertain significance. Review status: criteria provided, multiple submitters, no conflicts (2 of 4 stars). 3 submissions from 3 submitters: Uncertain significance (3). Last evaluated 2025-05-06.

Conditions:
RAF1-related disorder. Also called: RAF1-related condition; RAF1-related disorders.
Cardiovascular phenotype. Identifiers: MedGen CN230736.
RASopathy. Also called: rasopathies; Noonan spectrum disorder. Identifiers: Orphanet 536391, MedGen C5555857, MONDO:0021060.

Allele frequency attached by ClinVar (database versions not stated): gnomAD exomes below 0.00001.
gnomAD v4.1: 4 of 1,614,142 alleles (0.00025%); highest among the groups gnomAD compares: Non-Finnish European, 0.00034%; no homozygotes.

Submissions (3):

Ambry Genetics
Classification: Uncertain significance for Cardiovascular phenotype. Last evaluated: 2025-05-06. Review status: criteria provided, single submitter. Criteria: Ambry Variant Classification Scheme 2023. Collection method: clinical testing. Allele origin: germline.
Comment: The p.P290H variant (also known as c.869C>A), located in coding exon 8 of the RAF1 gene, results from a C to A substitution at nucleotide position 869. The proline at codon 290 is replaced by histidine, an amino acid with similar properties. This amino acid position is conserved. In addition, the in silico prediction for this alteration is inconclusive. Based on the available evidence, the clinical significance of this variant remains unclear.

PreventionGenetics, part of Exact Sciences
Classification: Uncertain significance for RAF1-related condition. Last evaluated: 2023-03-27. Review status: criteria provided, single submitter. Criteria: ACMG Guidelines, 2015. Collection method: clinical testing. Allele origin: germline.
Comment: The RAF1 c.869C>A variant is predicted to result in the amino acid substitution p.Pro290His. To our knowledge, this variant has not been reported in the literature or in a large population database, indicating this variant is rare. At this time, the clinical significance of this variant is uncertain due to the absence of conclusive functional and genetic evidence.

Labcorp Genetics (formerly Invitae), Labcorp
Classification: Uncertain significance for RASopathy. Last evaluated: 2020-08-23. Review status: criteria provided, single submitter. Criteria: Invitae Variant Classification Sherloc (09022015). Collection method: clinical testing. Allele origin: germline.
Comment: This sequence change replaces proline with histidine at codon 290 of the RAF1 protein (p.Pro290His). The proline residue is moderately conserved and there is a moderate physicochemical difference between proline and histidine. This variant is not present in population databases (ExAC no frequency). This variant has not been reported in the literature in individuals with RAF1-related conditions. Algorithms developed to predict the effect of missense changes on protein structure and function are either unavailable or do not agree on the potential impact of this missense change (SIFT: "Deleterious"; PolyPhen-2: "Benign"; Align-GVGD: "Class C0"). In summary, the available evidence is currently insufficient to determine the role of this variant in disease. Therefore, it has been classified as a Variant of Uncertain Significance.